The following is an entry in ClinVar:

NM_001429.4(EP300):c.4019A>G (p.Lys1340Arg)

Gene: EP300 (EP300 lysine acetyltransferase; plus strand). Cytogenetic location: 22q13.2.
Variant type: single nucleotide variant.
Coding change: c.4019A>G on transcript NM_001429.4 (MANE Select); coding-DNA position 4019, A replaced by G.
Protein change: p.Lys1340Arg; replaces lysine 1340 with arginine.
Molecular consequence: missense variant.
Genome position (GRCh38, 1-based): chr22:41,168,593, A>G. VCF-style: chr22-41168593-A-G. GRCh37 (hg19) VCF-style: chr22-41564597-A-G.
Other names: c.3941A>G, p.Lys1314Arg (NM_001362843.2); short protein forms K1314R, K1340R.
Identifiers: ClinVar variation 2087282 (VCV002087282.4), dbSNP rs2517820700, ClinGen allele CA411699679.

ClinVar aggregate classification (germline): Uncertain significance (1 of 4 stars; one submission).

Conditions:
Rubinstein-Taybi syndrome due to EP300 haploinsufficiency. Also called: EP300-Related Rubinstein-Taybi Syndrome; RUBINSTEIN-TAYBI SYNDROME 2. Identifiers: Orphanet 353284, Orphanet 783, MedGen C3150941, MONDO:0013364, OMIM 613684.

Submission:

Labcorp Genetics (formerly Invitae), Labcorp
Classification: Uncertain significance for Rubinstein-Taybi syndrome due to EP300 haploinsufficiency. Last evaluated: 2022-05-06. Review status: criteria provided, single submitter. Criteria: Invitae Variant Classification Sherloc (09022015). Collection method: clinical testing. Allele origin: germline.
Comment: In summary, the available evidence is currently insufficient to determine the role of this variant in disease. Therefore, it has been classified as a Variant of Uncertain Significance. Advanced modeling of protein sequence and biophysical properties (such as structural, functional, and spatial information, amino acid conservation, physicochemical variation, residue mobility, and thermodynamic stability) performed at Invitae indicates that this missense variant is not expected to disrupt EP300 protein function. This variant has not been reported in the literature in individuals affected with EP300-related conditions. This variant is not present in population databases (gnomAD no frequency). This sequence change replaces lysine, which is basic and polar, with arginine, which is basic and polar, at codon 1340 of the EP300 protein (p.Lys1340Arg).